The following is an entry in ClinVar:

NM_006567.5(FARS2):c.1004A>T (p.Glu335Val)

Gene: FARS2 (phenylalanyl-tRNA synthetase 2, mitochondrial; plus strand). Cytogenetic location: 6p25.1.
Variant type: single nucleotide variant.
Coding change: c.1004A>T on transcript NM_006567.5 (MANE Select); coding-DNA position 1004, A replaced by T.
Protein change: p.Glu335Val; replaces glutamic acid 335 with valine.
Molecular consequence: missense variant.
Genome position (GRCh38, 1-based): chr6:5,545,279, A>T. VCF-style: chr6-5545279-A-T. GRCh37 (hg19) VCF-style: chr6-5545512-A-T.
Other names: c.1004A>T, p.Glu335Val (NM_001318872.2, NM_001374875.1, NM_001374876.1 and 4 more transcripts); c.872A>T, p.Glu291Val (NM_001375258.1); c.308A>T, p.Glu103Val (NM_001375259.1, NM_001375260.1); short protein forms E103V, E291V, E335V.
Identifiers: ClinVar variation 1031655 (VCV001031655.1), dbSNP rs1770898891, ClinGen allele CA362736584.

ClinVar aggregate classification (germline): Uncertain significance (1 of 4 stars; one submission).

Conditions:
Hereditary spastic paraplegia 77. Also called: Spastic paraplegia 77, autosomal recessive. Identifiers: Orphanet 466722, MedGen C5569007, MONDO:0014882, OMIM 617046.

Submission:

Baylor Genetics
Classification: Uncertain significance for Hereditary spastic paraplegia 77. Last evaluated: 2018-03-12. Review status: criteria provided, single submitter. Criteria: ACMG Guidelines, 2015. Collection method: clinical testing. Allele origin: unknown. Affected: yes.
Comment: This variant was determined to be of uncertain significance according to ACMG Guidelines, 2015 [PMID:25741868].